The following is an entry in ClinVar:

ClinVar aggregate classification (germline): Conflicting classifications of pathogenicity. Review status: criteria provided, conflicting classifications (1 of 4 stars). 2 submissions from 2 submitters: Uncertain significance (1); Likely benign (1). Last evaluated 2025-12-01.

Conditions:
Hereditary cancer-predisposing syndrome. Also called: Hereditary Cancer Syndrome; Hereditary neoplastic syndrome; Tumor predisposition; Neoplastic Syndromes, Hereditary. Identifiers: Orphanet 140162, MedGen C0027672, MeSH D009386, MONDO:0015356.
Cardiovascular phenotype. Identifiers: MedGen CN230736.

gnomAD v4.1: 4 of 1,582,192 alleles (0.00025%); highest among the groups gnomAD compares: East Asian, 0.0069%; no homozygotes.

Submissions (2):

Ambry Genetics
Classification: Likely benign for Cardiovascular phenotype; Hereditary cancer-predisposing syndrome. Last evaluated: 2025-12-01. Review status: criteria provided, single submitter. Criteria: Ambry Variant Classification Scheme 2023. Collection method: clinical testing. Allele origin: germline.

Labcorp Genetics (formerly Invitae), Labcorp
Classification: Uncertain significance. Last evaluated: 2025-01-12. Review status: criteria provided, single submitter. Criteria: Invitae Variant Classification Sherloc (09022015). Collection method: clinical testing. Allele origin: germline.
Comment: This sequence change replaces alanine, which is neutral and non-polar, with serine, which is neutral and polar, at codon 490 of the LZTR1 protein (p.Ala490Ser). This variant is not present in population databases (gnomAD no frequency). This variant has not been reported in the literature in individuals affected with LZTR1-related conditions. ClinVar contains an entry for this variant (Variation ID: 1400426). Invitae Evidence Modeling of protein sequence and biophysical properties (such as structural, functional, and spatial information, amino acid conservation, physicochemical variation, residue mobility, and thermodynamic stability) indicates that this missense variant is not expected to disrupt LZTR1 protein function with a negative predictive value of 80%. In summary, the available evidence is currently insufficient to determine the role of this variant in disease. Therefore, it has been classified as a Variant of Uncertain Significance.

NM_006767.4(LZTR1):c.1468G>T (p.Ala490Ser)

Gene: LZTR1 (leucine zipper like post translational regulator 1; plus strand). Cytogenetic location: 22q11.21.
Variant type: single nucleotide variant.
Coding change: c.1468G>T on transcript NM_006767.4 (MANE Select); coding-DNA position 1468, G replaced by T.
Protein change: p.Ala490Ser; replaces alanine 490 with serine.
Molecular consequence: missense variant.
Genome position (GRCh38, 1-based): chr22:20,994,122, G>T. VCF-style: chr22-20994122-G-T. GRCh37 (hg19) VCF-style: chr22-21348411-G-T.
Other names: c.1468G>T (NM_006767.3); short protein forms A490S.
Identifiers: ClinVar variation 1400426 (VCV001400426.8), dbSNP rs1329226132, ClinGen allele CA410775512.